The following is an entry in ClinVar:

ClinVar aggregate classification (germline): Pathogenic. Review status: criteria provided, multiple submitters, no conflicts (2 of 4 stars). 2 submissions from 2 submitters: Pathogenic (2). Last evaluated 2023-10-04.

Conditions:
CHARGE syndrome (CHARGE). Also called: Hittner Hirsch Kreh syndrome; CHARGE ASSOCIATION--COLOBOMA, HEART ANOMALY, CHOANAL ATRESIA, RETARDATION, GENITAL AND EAR ANOMALIES; Coloboma, heart anomaly, choanal atresia, retardation, genital and ear anomalies; CHARGE association; Hall-Hittner syndrome. Identifiers: Orphanet 138, MedGen C0265354, MONDO:0008965.

Submissions (2):

GeneDx
Classification: Pathogenic. Last evaluated: 2023-10-04. Review status: criteria provided, single submitter. Criteria: GeneDx Variant Classification Process June 2021. Collection method: clinical testing. Allele origin: germline. Affected: yes.
Comment: Frameshift variant predicted to result in protein truncation or nonsense mediated decay in a gene for which loss of function is a known mechanism of disease; Not observed at significant frequency in large population cohorts (gnomAD); Has not been previously published as pathogenic or benign to our knowledge

Labcorp Genetics (formerly Invitae), Labcorp
Classification: Pathogenic for CHARGE syndrome. Last evaluated: 2018-02-16. Review status: criteria provided, single submitter. Criteria: Invitae Variant Classification Sherloc (09022015). Collection method: clinical testing. Allele origin: germline.
Comment: This sequence change creates a premature translational stop signal (p.Leu2039Profs*2) in the CHD7 gene. It is expected to result in an absent or disrupted protein product. This variant is not present in population databases (ExAC no frequency). This variant has not been reported in the literature in individuals with CHD7-related disease. ClinVar contains an entry for this variant (Variation ID: 429504). Loss-of-function variants in CHD7 are known to be pathogenic (PMID: 22461308, 25077900). For these reasons, this variant has been classified as Pathogenic.

Literature cited by the submitters: PubMed 22461308 (cited by Labcorp Genetics (formerly Invitae), Labcorp); PubMed 25077900 (cited by Labcorp Genetics (formerly Invitae), Labcorp).

NM_017780.4(CHD7):c.6114_6120del (p.Leu2039fs)

Gene: CHD7 (chromodomain helicase DNA binding protein 7; plus strand). Cytogenetic location: 8q12.2.
Variant type: Deletion.
Coding change: c.6114_6120del on transcript NM_017780.4 (MANE Select); coding-DNA positions 6114 to 6120, 7 bases deleted (CCTCTCC; older notation c.6114_6120delCCTCTCC).
Protein change: p.Leu2039fs; shifts the reading frame from leucine 2039.
Molecular consequence: frameshift variant. On other transcripts: intron variant (1).
Genome position (GRCh38, 1-based): chr8:60,852,839-60,852,845, CCTCTCC deleted. VCF-style (leftmost placement, unchanged base first): chr8-60852838-ACCTCTCC-A. GRCh37 (hg19) VCF-style: chr8-61765397-ACCTCTCC-A.
Other names: c.1717-9390_1717-9384del (NM_001316690.1); c.6114_6120delCCTCTCC (NM_017780.2); c.6114_6120del (LRG_176t1, NM_017780.2); short protein forms L2039fs.
Identifiers: ClinVar variation 429504 (VCV000429504.4), dbSNP rs1131691420, ClinGen allele CA645369439.